The following is an entry in ClinVar:

ClinVar aggregate classification (germline): Uncertain significance (1 of 4 stars; one submission).

gnomAD v4.1: 1 of 1,582,258 alleles (0.000063%); highest among the groups gnomAD compares: Non-Finnish European, 0.000087%; no homozygotes.

Submission:

Ambry Genetics
Classification: Uncertain significance. Last evaluated: 2025-02-13. Review status: criteria provided, single submitter. Criteria: Ambry Variant Classification Scheme 2023. Collection method: clinical testing. Allele origin: germline.
Comment: The p.H329Q variant (also known as c.987T>G), located in coding exon 8 of the GEN1 gene, results from a T to G substitution at nucleotide position 987. The histidine at codon 329 is replaced by glutamine, an amino acid with highly similar properties. This amino acid position is conserved. In addition, this alteration is predicted to be tolerated by in silico analysis. Based on the available evidence, the clinical significance of this variant remains unclear.

NM_001130009.3(GEN1):c.987T>G (p.His329Gln)

Gene: GEN1 (GEN1 Holliday junction 5' flap endonuclease; plus strand). Cytogenetic location: 2p24.2.
Variant type: single nucleotide variant.
Coding change: c.987T>G on transcript NM_001130009.3 (MANE Select); coding-DNA position 987, T replaced by G.
Protein change: p.His329Gln; replaces histidine 329 with glutamine.
Molecular consequence: missense variant.
Genome position (GRCh38, 1-based): chr2:17,773,129, T>G. VCF-style: chr2-17773129-T-G. GRCh37 (hg19) VCF-style: chr2-17954396-T-G.
Other names: c.987T>G, p.His329Gln (NM_182625.5); short protein forms H329Q.
Identifiers: ClinVar variation 3853570 (VCV003853570.1).